The following is an entry in ClinVar:

NM_000051.4(ATM):c.1847_1849del (p.Thr616del)

Gene: ATM (ATM serine/threonine kinase; plus strand). Cytogenetic location: 11q22.3.
Variant type: Deletion.
Coding change: c.1847_1849del on transcript NM_000051.4 (MANE Select); coding-DNA positions 1847 to 1849, 3 bases deleted (CTA; older notation c.1847_1849delCTA).
Protein change: p.Thr616del; deletes threonine 616.
Molecular consequence: inframe deletion.
Genome position (GRCh38, 1-based): chr11:108,252,861-108,252,863, CTA deleted; deleting any 3 consecutive bases within chr11:108,252,860-108,252,863 gives the same sequence; the c. name uses the placement nearest the transcript's 3' end. VCF-style (leftmost placement, unchanged base first): chr11-108252859-CACT-C. GRCh37 (hg19) VCF-style: chr11-108123586-CACT-C.
Other names: c.1847_1849del, p.Thr616del (NM_001351834.2); short protein forms T616del.
Identifiers: ClinVar variation 1781255 (VCV001781255.8), dbSNP rs2497290700, ClinGen allele CA2580083804.

ClinVar aggregate classification (germline): Conflicting classifications of pathogenicity. Review status: criteria provided, conflicting classifications (1 of 4 stars). 2 submissions from 2 submitters: Likely pathogenic (1); Uncertain significance (1). Last evaluated 2026-04-22.

Conditions:
Hereditary cancer-predisposing syndrome. Also called: Neoplastic Syndromes, Hereditary; Tumor predisposition; Hereditary Cancer Syndrome; Hereditary neoplastic syndrome. Identifiers: Orphanet 140162, MedGen C0027672, MeSH D009386, MONDO:0015356.
Ataxia-telangiectasia syndrome (AT). Also called: LOUIS-BAR SYNDROME; ATAXIA-TELANGIECTASIA, COMPLEMENTATION GROUP A; Ataxia-telangiectasia, complementation group D; AT, COMPLEMENTATION GROUP C; ATAXIA-TELANGIECTASIA, FRESNO VARIANT; Ataxia-telangiectasia. Identifiers: Orphanet 100, MedGen C0004135, MONDO:0008840, OMIM 208900.

Submissions (2):

Ambry Genetics
Classification: Likely pathogenic for Hereditary cancer-predisposing syndrome. Last evaluated: 2026-04-22. Review status: criteria provided, single submitter. Criteria: Ambry Variant Classification Scheme 2023. Collection method: clinical testing. Allele origin: germline.
Comment: The c.1847_1849delCTA variant (also known as p.T616del) is located in coding exon 11 of the ATM gene. This variant results from an in-frame CTA deletion at nucleotide positions 1847 to 1849. This results in the in-frame deletion of a threonine at codon 616. This variant has been identified in the homozygous state and/or in conjunction with other ATM variant(s) in individual(s) with features consistent with ataxia telangiectasia (Soukupova J et al. Neuromolecular Med., 2011 Sep;13:204-11). This amino acid position is highly conserved in available vertebrate species. In addition, this alteration is predicted to be deleterious by in silico analysis (Choi Y et al. PLoS ONE. 2012; 7(10):e46688). This variant is considered to be rare based on population cohorts in the Genome Aggregation Database (gnomAD). Based on the majority of available evidence to date, this variant is likely to be pathogenic.

Labcorp Genetics (formerly Invitae), Labcorp
Classification: Uncertain significance for Ataxia-telangiectasia syndrome. Last evaluated: 2022-05-12. Review status: criteria provided, single submitter. Criteria: Invitae Variant Classification Sherloc (09022015). Collection method: clinical testing. Allele origin: germline.
Comment: This variant is not present in population databases (gnomAD no frequency). This variant, c.1847_1849del, results in the deletion of 1 amino acid(s) of the ATM protein (p.Thr616del), but otherwise preserves the integrity of the reading frame. This variant has been observed in individual(s) with ataxia telangiectasia (PMID: 21833744). In summary, the available evidence is currently insufficient to determine the role of this variant in disease. Therefore, it has been classified as a Variant of Uncertain Significance. Experimental studies and prediction algorithms are not available or were not evaluated, and the functional significance of this variant is currently unknown.

Literature cited by the submitters: PubMed 21833744 (cited by Ambry Genetics and Labcorp Genetics (formerly Invitae), Labcorp).